The following is an entry in ClinVar:

ClinVar aggregate classification (germline): Uncertain significance. Review status: criteria provided, multiple submitters, no conflicts (2 of 4 stars). 2 submissions from 2 submitters: Uncertain significance (2). Last evaluated 2024-11-05.

Conditions:
Hereditary pancreatitis (PCTT). Also called: Hereditary chronic pancreatitis; PRSS1-Related Hereditary Pancreatitis. Identifiers: Orphanet 676, MedGen C0238339, MONDO:0008185, OMIM 167800.

Allele frequency attached by ClinVar (database versions not stated): gnomAD 0.00004 and 0.00008; TOPMed 0.00005; gnomAD exomes 0.00008 and 0.00013; ExAC 0.00014; 1000 Genomes Project 30x 0.00016; 1000 Genomes Project 0.00020.
gnomAD v4.1: 130 of 1,614,156 alleles (0.0081%); highest among the groups gnomAD compares: South Asian, 0.077%; no homozygotes.

Submissions (2):

Ambry Genetics
Classification: Uncertain significance for Hereditary pancreatitis. Last evaluated: 2024-11-05. Review status: criteria provided, single submitter. Criteria: Ambry Variant Classification Scheme 2023. Collection method: clinical testing. Allele origin: germline.
Comment: The p.R386C variant (also known as c.1156C>T), located in coding exon 10 of the CPA1 gene, results from a C to T substitution at nucleotide position 1156. The arginine at codon 386 is replaced by cysteine, an amino acid with highly dissimilar properties. In vitro studies by one group indicated this variant to result in reduced protein secretion, induced ER stress, and reduced enzyme activity in transfected HEK 293T cells (Tamura K et al. Proc. Natl. Acad. Sci. U.S.A., 2018 05;115:4767-4772). This amino acid position is not well conserved in available vertebrate species. In addition, this alteration is predicted to be tolerated by in silico analysis. Based on the available evidence, the clinical significance of this variant remains unclear.

Labcorp Genetics (formerly Invitae), Labcorp
Classification: Uncertain significance. Last evaluated: 2024-10-28. Review status: criteria provided, single submitter. Criteria: Invitae Variant Classification Sherloc (09022015). Collection method: clinical testing. Allele origin: germline.
Comment: This sequence change replaces arginine, which is basic and polar, with cysteine, which is neutral and slightly polar, at codon 386 of the CPA1 protein (p.Arg386Cys). This variant is present in population databases (rs201750163, gnomAD 0.06%), and has an allele count higher than expected for a pathogenic variant. This missense change has been observed in individual(s) with pancreatic cancer (PMID: 29669919). ClinVar contains an entry for this variant (Variation ID: 864490). Invitae Evidence Modeling of protein sequence and biophysical properties (such as structural, functional, and spatial information, amino acid conservation, physicochemical variation, residue mobility, and thermodynamic stability) indicates that this missense variant is not expected to disrupt CPA1 protein function with a negative predictive value of 80%. Experimental studies have shown that this missense change affects CPA1 function (PMID: 29669919). In summary, the available evidence is currently insufficient to determine the role of this variant in disease. Therefore, it has been classified as a Variant of Uncertain Significance.

Literature cited by the submitters: PubMed 29669919 (cited by Ambry Genetics and Labcorp Genetics (formerly Invitae), Labcorp).

NM_001868.4(CPA1):c.1156C>T (p.Arg386Cys)

Gene: CPA1 (carboxypeptidase A1; plus strand). Cytogenetic location: 7q32.2.
Variant type: single nucleotide variant.
Coding change: c.1156C>T on transcript NM_001868.4 (MANE Select); coding-DNA position 1156, C replaced by T.
Protein change: p.Arg386Cys; replaces arginine 386 with cysteine.
Molecular consequence: missense variant.
Genome position (GRCh38, 1-based): chr7:130,387,907, C>T. VCF-style: chr7-130387907-C-T. GRCh37 (hg19) VCF-style: chr7-130027748-C-T.
Other names: short protein forms R386C.
Identifiers: ClinVar variation 864490 (VCV000864490.11), dbSNP rs201750163, ClinGen allele CA4485073.